The following is an entry in ClinVar:

NM_006231.4(POLE):c.3463A>G (p.Lys1155Glu)

Gene: POLE (DNA polymerase epsilon, catalytic subunit; minus strand). Cytogenetic location: 12q24.33.
Variant type: single nucleotide variant.
Coding change: c.3463A>G on transcript NM_006231.4 (MANE Select); coding-DNA position 3463, A replaced by G.
Protein change: p.Lys1155Glu; replaces lysine 1155 with glutamic acid.
Molecular consequence: missense variant.
Genome position (GRCh38, 1-based): chr12:132,657,255, T>C on the plus strand (A>G on the coding strand, the complement: POLE is on the minus strand). VCF-style: chr12-132657255-T-C. GRCh37 (hg19) VCF-style: chr12-133233841-T-C.
Other names: c.3463A>G (NM_006231.2); short protein forms K1155E.
Identifiers: ClinVar variation 836582 (VCV000836582.10), dbSNP rs2042564326, ClinGen allele CA16622063.

ClinVar aggregate classification (germline): Uncertain significance. Review status: criteria provided, multiple submitters, no conflicts (2 of 4 stars). 2 submissions from 2 submitters: Uncertain significance (2). Last evaluated 2025-05-03.

Conditions:
Hereditary cancer-predisposing syndrome. Also called: Hereditary neoplastic syndrome; Neoplastic Syndromes, Hereditary; Tumor predisposition; Hereditary Cancer Syndrome. Identifiers: Orphanet 140162, MedGen C0027672, MeSH D009386, MONDO:0015356.

Allele frequency attached by ClinVar (database versions not stated): gnomAD exomes below 0.00001.
gnomAD v4.1: 1 of 1,614,014 alleles (0.000062%); highest among the groups gnomAD compares: South Asian, 0.0011%; no homozygotes.

Submissions (2):

Ambry Genetics
Classification: Uncertain significance for Hereditary cancer-predisposing syndrome. Last evaluated: 2025-05-03. Review status: criteria provided, single submitter. Criteria: Ambry Variant Classification Scheme 2023. Collection method: clinical testing. Allele origin: germline.
Comment: The p.K1155E variant (also known as c.3463A>G), located in coding exon 29 of the POLE gene, results from an A to G substitution at nucleotide position 3463. The lysine at codon 1155 is replaced by glutamic acid, an amino acid with similar properties. This amino acid position is highly conserved in available vertebrate species. In addition, the in silico prediction for this alteration is inconclusive. Based on the available evidence, the clinical significance of this variant remains unclear.

Labcorp Genetics (formerly Invitae), Labcorp
Classification: Uncertain significance. Last evaluated: 2024-11-09. Review status: criteria provided, single submitter. Criteria: Invitae Variant Classification Sherloc (09022015). Collection method: clinical testing. Allele origin: germline.
Comment: This sequence change replaces lysine, which is basic and polar, with glutamic acid, which is acidic and polar, at codon 1155 of the POLE protein (p.Lys1155Glu). This variant is not present in population databases (gnomAD no frequency). This variant has not been reported in the literature in individuals affected with POLE-related conditions. ClinVar contains an entry for this variant (Variation ID: 836582). Invitae Evidence Modeling of protein sequence and biophysical properties (such as structural, functional, and spatial information, amino acid conservation, physicochemical variation, residue mobility, and thermodynamic stability) indicates that this missense variant is not expected to disrupt POLE protein function with a negative predictive value of 80%. In summary, the available evidence is currently insufficient to determine the role of this variant in disease. Therefore, it has been classified as a Variant of Uncertain Significance.